The following is an entry in ClinVar:

ClinVar aggregate classification (germline): Uncertain significance (0 of 4 stars; one submission).

Conditions:
CHD7-related disorder. Also called: CHD7-related condition.

gnomAD v4.1: 4 of 1,613,992 alleles (0.00025%); highest among the groups gnomAD compares: South Asian, 0.0033%; no homozygotes.

Submission:

PreventionGenetics, part of Exact Sciences
Classification: Uncertain significance for CHD7-related condition. Last evaluated: 2024-05-30. Review status: no assertion criteria provided. Collection method: clinical testing. Allele origin: germline.
Comment: The CHD7 c.1303C>T variant is predicted to result in the amino acid substitution p.Pro435Ser. To our knowledge, this variant has not been reported in the literature. This variant is reported in 0.0065% of alleles in individuals of South Asian descent in gnomAD. At this time, the clinical significance of this variant is uncertain due to the absence of conclusive functional and genetic evidence.

NM_017780.4(CHD7):c.1303C>T (p.Pro435Ser)

Gene: CHD7 (chromodomain helicase DNA binding protein 7; plus strand). Cytogenetic location: 8q12.2.
Variant type: single nucleotide variant.
Coding change: c.1303C>T on transcript NM_017780.4 (MANE Select); coding-DNA position 1303, C replaced by T.
Protein change: p.Pro435Ser; replaces proline 435 with serine.
Molecular consequence: missense variant.
Genome position (GRCh38, 1-based): chr8:60,742,735, C>T. VCF-style: chr8-60742735-C-T. GRCh37 (hg19) VCF-style: chr8-61655294-C-T.
Other names: c.1303C>T, p.Pro435Ser (NM_001316690.1); short protein forms P435S.
Identifiers: ClinVar variation 3344738 (VCV003344738.1).